The following is an entry in ClinVar:

ClinVar aggregate classification (germline): Uncertain significance. Review status: criteria provided, multiple submitters, no conflicts (2 of 4 stars). 2 submissions from 2 submitters: Uncertain significance (2). Last evaluated 2024-03-06.

Conditions:
Fabry disease. Also called: Fabry's disease; ALPHA-GALACTOSIDASE A DEFICIENCY; ANDERSON-FABRY DISEASE; CERAMIDE TRIHEXOSIDASE DEFICIENCY; GLA DEFICIENCY; HEREDITARY DYSTOPIC LIPIDOSIS. Identifiers: Orphanet 324, MedGen C0002986, MONDO:0010526, OMIM 301500, HP:0001071. Disease mechanism: Fabry disease is due to inactivating mutations in the X-linked GLA gene resulting in deficiency of the enzyme Alpha Galactosidase-A., loss of function.

Submissions (2):

Color Diagnostics, LLC DBA Color Health
Classification: Uncertain significance for Fabry disease. Last evaluated: 2024-03-06. Review status: criteria provided, single submitter. Criteria: ACMG Guidelines, 2015. Collection method: clinical testing. Allele origin: germline.
Comment: This missense variant replaces methionine with threonine at codon 70 of the GLA protein. Computational prediction is inconclusive regarding the impact of this variant on protein structure and function (internally defined REVEL score threshold 0.5 < inconclusive < 0.7, PMID: 27666373). To our knowledge, functional studies have not been reported for this variant. This variant has not been reported in individuals affected with GLA-related disorders in the literature. This variant has not been identified in the general population by the Genome Aggregation Database (gnomAD). The available evidence is insufficient to determine the role of this variant in disease conclusively. Therefore, this variant is classified as a Variant of Uncertain Significance.

All of Us Research Program, National Institutes of Health
Classification: Uncertain significance for Fabry disease. Last evaluated: 2023-05-04. Review status: criteria provided, single submitter. Criteria: ACMG Guidelines, 2015. Collection method: clinical testing. Allele origin: germline. Inheritance: X-linked inheritance. Observed: 1 variant allele, 1 heterozygote.
Comment: This missense variant replaces methionine with threonine at codon 70 of the GLA protein. Computational prediction is inconclusive regarding the impact of this variant on protein structure and function (internally defined REVEL score threshold 0.5 < inconclusive < 0.7, PMID: 27666373). To our knowledge, functional studies have not been reported for this variant. This variant has not been reported in individuals affected with GLA-related disorders in the literature. This variant has not been identified in the general population by the Genome Aggregation Database (gnomAD). The available evidence is insufficient to determine the role of this variant in disease conclusively. Therefore, this variant is classified as a Variant of Uncertain Significance.

This study involves interpretation of variants in research participants for the purpose of population health screening. Participant phenotype was not available at the time of variant classification. Additional details can be found in publication PMID: 35346344, PMCID: PMC8962531

NM_000169.3(GLA):c.209T>C (p.Met70Thr)

Genes: GLA (galactosidase alpha; minus strand), RPL36A-HNRNPH2 (RPL36A-HNRNPH2 readthrough; plus strand). Cytogenetic location: Xq22.1.
Variant type: single nucleotide variant.
Coding change: c.209T>C on transcript NM_000169.3 (MANE Select); coding-DNA position 209, T replaced by C.
Protein change: p.Met70Thr; replaces methionine 70 with threonine.
Molecular consequence: missense variant. On other transcripts: non-coding transcript variant (3), intron variant (2).
Genome position (GRCh38, 1-based): chrX:101,403,971, A>G on the plus strand (T>C on the coding strand, the complement: GLA is on the minus strand). VCF-style: chrX-101403971-A-G. GRCh37 (hg19) VCF-style: chrX-100658959-A-G.
Other names: c.332T>C, p.Met111Thr (NM_001406747.1, NM_001406749.1); c.209T>C, p.Met70Thr (NM_001406748.1); c.301-7965A>G (NM_001199973.2); c.178-7965A>G (NM_001199974.2); short protein forms M70T, M111T.
Identifiers: ClinVar variation 2773413 (VCV002773413.3), dbSNP rs2520914915, ClinGen allele CA413934557.
Genomic context (GRCh38, chrX:101,403,971, plus strand): 5'-CAGAGGTACTCATAACCTGCATCCTTCCAGCCTTCTGAGACCATGAGCTCTGCCATCTCC[A>G]TGAAGAGCTTCTCACTGAAAGAGAAATTCCAATAATCATTACAATTCATTAAATGAACAC-3'
Protein context (NP_000160.1, residues 60-80): PDSCISEKLF[Met70Thr]EMAELMVSEG